The following is an entry in ClinVar:

ClinVar aggregate classification (germline): Uncertain significance (1 of 4 stars; one submission).

Conditions:
Hereditary cancer-predisposing syndrome. Also called: Neoplastic Syndromes, Hereditary; Tumor predisposition; Hereditary Cancer Syndrome; Hereditary neoplastic syndrome. Identifiers: Orphanet 140162, MedGen C0027672, MeSH D009386, MONDO:0015356.

Submission:

Ambry Genetics
Classification: Uncertain significance for Hereditary cancer-predisposing syndrome. Last evaluated: 2026-07-08. Review status: criteria provided, single submitter. Criteria: Ambry Variant Classification Scheme 2023. Collection method: clinical testing. Allele origin: germline.
Comment: The p.G304R variant (also known as c.910G>C), located in coding exon 9 of the RB1 gene, results from a G to C substitution at nucleotide position 910. The glycine at codon 304 is replaced by arginine, an amino acid with dissimilar properties. This amino acid position is highly conserved in available vertebrate species. In addition, this alteration is predicted to be deleterious by in silico analysis. Based on the available evidence, the clinical significance of this variant remains unclear.

NM_000321.3(RB1):c.910G>C (p.Gly304Arg)

Gene: RB1 (RB transcriptional corepressor 1; plus strand). Cytogenetic location: 13q14.2.
Variant type: single nucleotide variant.
Coding change: c.910G>C on transcript NM_000321.3 (MANE Select); coding-DNA position 910, G replaced by C.
Protein change: p.Gly304Arg; replaces glycine 304 with arginine.
Molecular consequence: missense variant.
Genome position (GRCh38, 1-based): chr13:48,364,942, G>C. VCF-style: chr13-48364942-G-C. GRCh37 (hg19) VCF-style: chr13-48939078-G-C.
Other names: c.910G>C, p.Gly304Arg (NM_001407165.1, NM_001407166.1); short protein forms G304R.
Identifiers: ClinVar variation 3313040 (VCV003313040.2).